The following is an entry in ClinVar:

NM_006904.7(PRKDC):c.6784G>C (p.Gly2262Arg)

Gene: PRKDC (protein kinase, DNA-activated, catalytic subunit; minus strand). Cytogenetic location: 8q11.21.
Variant type: single nucleotide variant.
Coding change: c.6784G>C on transcript NM_006904.7 (MANE Select); coding-DNA position 6784, G replaced by C.
Protein change: p.Gly2262Arg; replaces glycine 2262 with arginine.
Molecular consequence: missense variant.
Genome position (GRCh38, 1-based): chr8:47,854,192, C>G on the plus strand (G>C on the coding strand, the complement: PRKDC is on the minus strand). VCF-style: chr8-47854192-C-G. GRCh37 (hg19) VCF-style: chr8-48766753-C-G.
Other names: c.6784G>C, p.Gly2262Arg (NM_001081640.2); short protein forms G2262R.
Identifiers: ClinVar variation 950112 (VCV000950112.7), dbSNP rs754689694, ClinGen allele CA4740257.

ClinVar aggregate classification (germline): Uncertain significance (1 of 4 stars; one submission).

Conditions:
Severe combined immunodeficiency due to DNA-PKcs deficiency. Also called: IMMUNODEFICIENCY 26 WITH NEUROLOGIC ABNORMALITIES; Immunodeficiency 26 with or without neurologic abnormalities. Identifiers: Orphanet 317425, MedGen C4014833, MONDO:0014423, OMIM 615966.

Allele frequency attached by ClinVar (database versions not stated): 1000 Genomes Project 30x 0.00016.
gnomAD v4.1: 1 of 1,613,480 alleles (0.000062%); highest among the groups gnomAD compares: African/African-American, 0.0013%; no homozygotes.

Submission:

Labcorp Genetics (formerly Invitae), Labcorp
Classification: Uncertain significance for Severe combined immunodeficiency due to DNA-PKcs deficiency. Last evaluated: 2022-10-17. Review status: criteria provided, single submitter. Criteria: Invitae Variant Classification Sherloc (09022015). Collection method: clinical testing. Allele origin: germline.
Comment: This sequence change replaces glycine, which is neutral and non-polar, with arginine, which is basic and polar, at codon 2262 of the PRKDC protein (p.Gly2262Arg). This variant is present in population databases (rs754689694, gnomAD 0.007%). This variant has not been reported in the literature in individuals affected with PRKDC-related conditions. ClinVar contains an entry for this variant (Variation ID: 950112). Advanced modeling of protein sequence and biophysical properties (such as structural, functional, and spatial information, amino acid conservation, physicochemical variation, residue mobility, and thermodynamic stability) performed at Invitae indicates that this missense variant is not expected to disrupt PRKDC protein function. In summary, the available evidence is currently insufficient to determine the role of this variant in disease. Therefore, it has been classified as a Variant of Uncertain Significance.